The following is an entry in ClinVar:

NM_152393.4(KLHL40):c.1422-3C>A

Gene: KLHL40 (kelch like family member 40; plus strand). Cytogenetic location: 3p22.1.
Variant type: single nucleotide variant.
Coding change: c.1422-3C>A on transcript NM_152393.4 (MANE Select); 3 bases into the intron before coding-DNA position 1422, C replaced by A.
Molecular consequence: intron variant.
Genome position (GRCh38, 1-based): chr3:42,688,866, C>A. VCF-style: chr3-42688866-C-A. GRCh37 (hg19) VCF-style: chr3-42730358-C-A.
Identifiers: ClinVar variation 1394765 (VCV001394765.1), dbSNP rs1697317994, ClinGen allele CA1360457760.

ClinVar aggregate classification (germline): Uncertain significance (1 of 4 stars; one submission).

Conditions:
Nemaline myopathy 8 (NEM8). Also called: Nemaline myopathy 8, autosomal recessive. Identifiers: Orphanet 171430, MedGen C3809209, MONDO:0014138, OMIM 615348.

Allele frequency attached by ClinVar (database versions not stated): TOPMed 0.00001.

Submission:

Labcorp Genetics (formerly Invitae), Labcorp
Classification: Uncertain significance for Nemaline myopathy 8. Last evaluated: 2021-07-08. Review status: criteria provided, single submitter. Criteria: Invitae Variant Classification Sherloc (09022015). Collection method: clinical testing. Allele origin: germline.
Comment: This sequence change falls in intron 3 of the KLHL40 gene. It does not directly change the encoded amino acid sequence of the KLHL40 protein. It affects a nucleotide within the consensus splice site of the intron. This variant is not present in population databases (ExAC no frequency). This variant has not been reported in the literature in individuals affected with KLHL40-related conditions. Nucleotide substitutions within the consensus splice site are a relatively common cause of aberrant splicing (PMID: 17576681, 9536098). Algorithms developed to predict the effect of sequence changes on RNA splicing suggest that this variant may disrupt the consensus splice site. In summary, the available evidence is currently insufficient to determine the role of this variant in disease. Therefore, it has been classified as a Variant of Uncertain Significance.

Literature cited by the submitters: PubMed 17576681; PubMed 9536098.